The following is an entry in ClinVar:

NM_001145809.2(MYH14):c.3004G>A (p.Glu1002Lys)

Gene: MYH14 (myosin heavy chain 14; plus strand). Cytogenetic location: 19q13.33.
Variant type: single nucleotide variant.
Coding change: c.3004G>A on transcript NM_001145809.2 (MANE Select); coding-DNA position 3004, G replaced by A.
Protein change: p.Glu1002Lys; replaces glutamic acid 1002 with lysine.
Molecular consequence: missense variant.
Genome position (GRCh38, 1-based): chr19:50,268,338, G>A. VCF-style: chr19-50268338-G-A. GRCh37 (hg19) VCF-style: chr19-50771595-G-A.
Other names: c.2905G>A, p.Glu969Lys (NM_001077186.2); c.2881G>A, p.Glu961Lys (NM_024729.4); short protein forms E1002K, E961K, E969K.
Identifiers: ClinVar variation 3370855 (VCV003370855.1).

ClinVar aggregate classification (germline): Uncertain significance (1 of 4 stars; one submission).

gnomAD v4.1: 5 of 1,584,122 alleles (0.00032%); highest among the groups gnomAD compares: East Asian, 0.0023%; no homozygotes.

Submission:

GeneDx
Classification: Uncertain significance. Last evaluated: 2024-03-14. Review status: criteria provided, single submitter. Criteria: GeneDx Variant Classification Process June 2021. Collection method: clinical testing. Allele origin: germline. Affected: yes.
Comment: Not observed at significant frequency in large population cohorts (gnomAD); In silico analysis supports that this missense variant has a deleterious effect on protein structure/function; Has not been previously published as pathogenic or benign to our knowledge